The following is an entry in ClinVar:

NM_003630.3(PEX3):c.779C>G (p.Thr260Ser)

Gene: PEX3 (peroxisomal biogenesis factor 3; plus strand). Cytogenetic location: 6q24.2.
Variant type: single nucleotide variant.
Coding change: c.779C>G on transcript NM_003630.3 (MANE Select); coding-DNA position 779, C replaced by G.
Protein change: p.Thr260Ser; replaces threonine 260 with serine.
Molecular consequence: missense variant.
Genome position (GRCh38, 1-based): chr6:143,474,817, C>G. VCF-style: chr6-143474817-C-G. GRCh37 (hg19) VCF-style: chr6-143795954-C-G.
Other names: short protein forms T260S.
Identifiers: ClinVar variation 1483648 (VCV001483648.6), dbSNP rs1394440905, ClinGen allele CA365913190.

ClinVar aggregate classification (germline): Uncertain significance (1 of 4 stars; one submission).

Submission:

Labcorp Genetics (formerly Invitae), Labcorp
Classification: Uncertain significance. Last evaluated: 2022-08-23. Review status: criteria provided, single submitter. Criteria: Invitae Variant Classification Sherloc (09022015). Collection method: clinical testing. Allele origin: germline.
Comment: This variant has not been reported in the literature in individuals affected with PEX3-related conditions. ClinVar contains an entry for this variant (Variation ID: 1483648). Algorithms developed to predict the effect of missense changes on protein structure and function are either unavailable or do not agree on the potential impact of this missense change (SIFT: "Tolerated"; PolyPhen-2: "Possibly Damaging"; Align-GVGD: "Class C0"). In summary, the available evidence is currently insufficient to determine the role of this variant in disease. Therefore, it has been classified as a Variant of Uncertain Significance. This variant is not present in population databases (gnomAD no frequency). This sequence change replaces threonine, which is neutral and polar, with serine, which is neutral and polar, at codon 260 of the PEX3 protein (p.Thr260Ser).